The following is an entry in ClinVar:

ClinVar aggregate classification (germline): Benign. Review status: criteria provided, multiple submitters, no conflicts (2 of 4 stars). 3 submissions from 3 submitters: Benign (3). Last evaluated 2026-02-03.

Conditions:
Orthostatic hypotension 1 (ORTHYP1). Also called: Dopamine beta-hydroxylase deficiency; Orthostatic hypotension 1, due to DBH deficiency; NORADRENALINE DEFICIENCY; NOREPINEPHRINE DEFICIENCY. Identifiers: Orphanet 230, MedGen C4746777, MONDO:0009123, OMIM 223360.

Allele frequency attached by ClinVar (database versions not stated): gnomAD exomes 0.01814 and 0.01838; 1000 Genomes Project 0.02037; 1000 Genomes Project 30x 0.02046; TOPMed 0.02060; gnomAD 0.02105 and 0.02106; ESP Exome Variant Server 0.02414; ExAC 0.02656.

Submissions (3):

Labcorp Genetics (formerly Invitae), Labcorp
Classification: Benign for Orthostatic hypotension 1. Last evaluated: 2026-02-03. Review status: criteria provided, single submitter. Criteria: Invitae Variant Classification Sherloc (09022015). Collection method: clinical testing. Allele origin: germline.

Illumina Laboratory Services, Illumina
Classification: Benign for Orthostatic hypotension 1. Last evaluated: 2018-01-12. Review status: criteria provided, single submitter. Criteria: ICSL Variant Classification Criteria 13 December 2019. Collection method: clinical testing. Allele origin: germline.
Comment: This variant was observed in the ICSL laboratory as part of a predisposition screen in an ostensibly healthy population. It had not been previously curated by ICSL or reported in the Human Gene Mutation Database (HGMD: prior to June 1st, 2018), and was therefore a candidate for classification through an automated scoring system. Utilizing variant allele frequency, disease prevalence and penetrance estimates, and inheritance mode, an automated score was calculated to assess if this variant is too frequent to cause the disease. Based on the score and internal cut-off values, a variant classified as benign is not then subjected to further curation. The score for this variant resulted in a classification of benign for this disease.

Breakthrough Genomics
Classification: Benign. Review status: criteria provided, single submitter. Criteria: ACMG Guidelines, 2015. Collection method: not provided. Allele origin: germline. Inheritance: Autosomal recessive inheritance. Affected: yes.

NM_000787.4(DBH):c.735C>T (p.His245=)

Gene: DBH (dopamine beta-hydroxylase; plus strand). Cytogenetic location: 9q34.2.
Variant type: single nucleotide variant.
Coding change: c.735C>T on transcript NM_000787.4 (MANE Select); coding-DNA position 735, C replaced by T.
Protein change: p.His245=; no amino-acid change (histidine 245 retained).
Molecular consequence: synonymous variant.
Genome position (GRCh38, 1-based): chr9:133,642,455, C>T. VCF-style: chr9-133642455-C-T. GRCh37 (hg19) VCF-style: chr9-136507577-C-T.
Identifiers: ClinVar variation 365643 (VCV000365643.14), dbSNP rs5322, ClinGen allele CA5313165.
Genomic context (GRCh38, chr9:133,642,455, plus strand): 5'-CCAGGAGACCACGTACTGGTGCTACATTAAGGAGCTTCCAAAGGGCTTCTCTCGGCACCA[C>T]ATTATCAAGGTACGTGCGGGTCCAGGGCCGAGGTCCTCGCCCAGCCCTGCCTTCCTCCCG-3'
Protein context (NP_000778.3, residues 235-255): KELPKGFSRH[His245=]IIKYEPIVTK